The following is an entry in ClinVar:

NM_003072.5(SMARCA4):c.749G>C (p.Ser250Thr)

Gene: SMARCA4 (SWI/SNF related BAF chromatin remodeling complex subunit ATPase 4; plus strand). Cytogenetic location: 19p13.2.
Variant type: single nucleotide variant.
Coding change: c.749G>C on transcript NM_003072.5 (MANE Select); coding-DNA position 749, G replaced by C.
Protein change: p.Ser250Thr; replaces serine 250 with threonine.
Molecular consequence: missense variant. On other transcripts: non-coding transcript variant (1).
Genome position (GRCh38, 1-based): chr19:10,986,582, G>C. VCF-style: chr19-10986582-G-C. GRCh37 (hg19) VCF-style: chr19-11097258-G-C.
Other names: c.749G>C, p.Ser250Thr (NM_001128844.3, NM_001128845.2, NM_001128846.2 and 4 more transcripts); short protein forms S250T.
Identifiers: ClinVar variation 939952 (VCV000939952.11), dbSNP rs1257597317, ClinGen allele CA404057299.

ClinVar aggregate classification (germline): Uncertain significance. Review status: criteria provided, multiple submitters, no conflicts (2 of 4 stars). 3 submissions from 3 submitters: Uncertain significance (3). Last evaluated 2024-12-24.

Conditions:
Rhabdoid tumor predisposition syndrome 2 (RTPS2). Identifiers: Orphanet 231108, Orphanet 69077, MedGen C2750074, MONDO:0013224, OMIM 613325.
Hereditary cancer-predisposing syndrome. Also called: Hereditary neoplastic syndrome; Neoplastic Syndromes, Hereditary; Tumor predisposition; Hereditary Cancer Syndrome. Identifiers: Orphanet 140162, MedGen C0027672, MeSH D009386, MONDO:0015356.

Allele frequency attached by ClinVar (database versions not stated): TOPMed below 0.00001; gnomAD 0.00001.
gnomAD v4.1: 1 of 1,536,308 alleles (0.000065%); highest among the groups gnomAD compares: Non-Finnish European, 0.000087%; no homozygotes.

Submissions (3):

Labcorp Genetics (formerly Invitae), Labcorp
Classification: Uncertain significance for Rhabdoid tumor predisposition syndrome 2. Last evaluated: 2024-12-24. Review status: criteria provided, single submitter. Criteria: Invitae Variant Classification Sherloc (09022015). Collection method: clinical testing. Allele origin: germline.
Comment: This sequence change replaces serine, which is neutral and polar, with threonine, which is neutral and polar, at codon 250 of the SMARCA4 protein (p.Ser250Thr). This variant is not present in population databases (gnomAD no frequency). This variant has not been reported in the literature in individuals affected with SMARCA4-related conditions. ClinVar contains an entry for this variant (Variation ID: 939952). Invitae Evidence Modeling of protein sequence and biophysical properties (such as structural, functional, and spatial information, amino acid conservation, physicochemical variation, residue mobility, and thermodynamic stability) indicates that this missense variant is not expected to disrupt SMARCA4 protein function with a negative predictive value of 95%. In summary, the available evidence is currently insufficient to determine the role of this variant in disease. Therefore, it has been classified as a Variant of Uncertain Significance.

Ambry Genetics
Classification: Uncertain significance for Hereditary cancer-predisposing syndrome. Last evaluated: 2024-12-21. Review status: criteria provided, single submitter. Criteria: Ambry Variant Classification Scheme 2023. Collection method: clinical testing. Allele origin: germline.
Comment: The p.S250T variant (also known as c.749G>C), located in coding exon 3 of the SMARCA4 gene, results from a G to C substitution at nucleotide position 749. The serine at codon 250 is replaced by threonine, an amino acid with similar properties. This amino acid position is conserved. In addition, this alteration is predicted to be tolerated by in silico analysis. Based on the available evidence, the clinical significance of this variant remains unclear.

GeneDx
Classification: Uncertain significance. Last evaluated: 2024-02-05. Review status: criteria provided, single submitter. Criteria: GeneDx Variant Classification Process June 2021. Collection method: clinical testing. Allele origin: germline. Affected: yes.
Comment: Not observed at significant frequency in large population cohorts (gnomAD); In silico analysis supports that this missense variant does not alter protein structure/function; Has not been previously published as pathogenic or benign to our knowledge